The following is an entry in ClinVar:

NM_001378743.1(CYLD):c.2039A>G (p.Lys680Arg)

Genes: CYLD (CYLD lysine 63 deubiquitinase; plus strand), CYLD-AS2 (CYLD antisense RNA 2; minus strand). Cytogenetic location: 16q12.1.
Variant type: single nucleotide variant.
Coding change: c.2039A>G on transcript NM_001378743.1 (MANE Select); coding-DNA position 2039, A replaced by G.
Protein change: p.Lys680Arg; replaces lysine 680 with arginine.
Molecular consequence: missense variant. On other transcripts: non-coding transcript variant (1).
Genome position (GRCh38, 1-based): chr16:50,786,944, A>G. VCF-style: chr16-50786944-A-G. GRCh37 (hg19) VCF-style: chr16-50820855-A-G.
Other names: c.2030A>G, p.Lys677Arg (NM_001042355.2, NM_001042412.3, NM_001378744.1 and 6 more transcripts); c.2000A>G, p.Lys667Arg (NM_001378751.1, NM_001378752.1, NM_001378753.1); c.1364A>G, p.Lys455Arg (NM_001378754.1, NM_001378755.1); c.2039A>G, p.Lys680Arg (NM_015247.3); short protein forms K455R, K667R, K677R, K680R.
Identifiers: ClinVar variation 3068572 (VCV003068572.2), dbSNP rs2506716542, ClinGen allele CA395877376.

ClinVar aggregate classification (germline): Pathogenic (1 of 4 stars; one submission).

Conditions:
Familial cylindromatosis. Also called: Turban tumor syndrome; ANCELL-SPIEGLER CYLINDROMAS. Identifiers: Orphanet 211, Orphanet 79493, MedGen C1851526, MONDO:0007565, OMIM 132700.

Submission:

Molecular Genetics, Royal Melbourne Hospital
Classification: Pathogenic for Familial cylindromatosis. Last evaluated: 2024-10-03. Review status: criteria provided, single submitter. Criteria: ACMG Guidelines, 2015. Collection method: clinical testing. Allele origin: germline. Inheritance: Autosomal dominant inheritance. Affected: yes.
Comment: This sequence change in CYLD is predicted to replace lysine with arginine at codon 680, p.(Lys680Arg). The lysine residue is highly conserved (100 vertebrates, Multiz Alignments), and is located in the USP domain. There is a small physicochemical difference between lysine and arginine. This variant also falls at the third last nucleotide of exon 13 of the CYLD coding sequence, which is part of the consensus splice site for this exon. The variant allele is reduced by 90-97% and demonstrated both skipping of biologically relevant exon 13 (p.Tyr651Serfs*2) and less abundantly intron 13 retention (p.Asp681Glyfs*22) in RNA assays (RNA4RD), both resulting in a frameshift leading to nonsense-mediated decay in a gene in which loss-of-function is an established disease mechanism (PMID: 10835629, 15854031, 20132422). This variant is absent from the population database gnomAD v4.1. To our knowledge, this variant has not been reported in the literature in any individuals with CYLD-related disease. At least one individual with this variant displayed lesions consistent with trichoepitheliomas, which is highly specific for Brooke-Spiegler Syndrome (Melbourne Health Pathology). Computational evidence predicts a deleterious effect for the missense substitution (REVEL = 0.698) and predicts an impact on splicing (SpliceAI) for the nucleotide change. Based on the classification scheme RMH Modified ACMG Guidelines v1.7.0, this variant is classified as a PATHOGENIC. Following criteria are met: PVS1, PP4_Moderate, PM2_Supporting.

Literature cited by the submitters: PubMed 10835629; PubMed 15854031; PubMed 20132422.